The following is an entry in ClinVar:

ClinVar aggregate classification (germline): Conflicting classifications of pathogenicity. Review status: criteria provided, conflicting classifications (1 of 4 stars). 3 submissions from 3 submitters: Pathogenic (1); Likely pathogenic (1); Uncertain significance (1). Last evaluated 2025-11-10.

Conditions:
GMPPB-related disorder. Also called: GMPPB-related condition; GMPPB-related disorders.
Muscular dystrophy-dystroglycanopathy (congenital with brain and eye anomalies), type A14. Also called: Congenital Muscular Dystrophy-Dystroglycanopathy with Brain and Eye Anomalies Type A 14; Congenital muscular dystrophy-dystroglycanopathy with brain and eye anomalies, type A14; Muscular dystrophy-dystroglycanopathy (congenital with brain and eye anomalies), type a, 14; WALKER-WARBURG SYNDROME OR MUSCLE-EYE-BRAIN DISEASE, GMPPB-RELATED. Identifiers: Orphanet 588, MedGen C3809216, MONDO:0014140, OMIM 615350.
Muscular dystrophy-dystroglycanopathy (congenital with impaired intellectual development), type B, 14. Also called: Congenital muscular dystrophy-dystroglycanopathy with mental retardation, type B14; MUSCULAR DYSTROPHY, CONGENITAL, GMPPB-RELATED; Muscular dystrophy-dystroglycanopathy (congenital with intellectual disability), type B14. Identifiers: MedGen C3809221, MONDO:0014141, OMIM 615351.
Autosomal recessive limb-girdle muscular dystrophy type 2T. Also called: Limb-girdle muscular dystrophy-dystroglycanopathy, type C14; Muscular dystrophy-dystroglycanopathy (limb-girdle), type c, 14; MUSCULAR DYSTROPHY-DYSTROGLYCANOPATHY, LIMB-GIRDLE, GMPPB-RELATED; MUSCULAR DYSTROPHY, LIMB-GIRDLE, TYPE 2T. Identifiers: Orphanet 363623, MedGen C4518000, MONDO:0014142, OMIM 615352.

Allele frequency attached by ClinVar (database versions not stated): gnomAD 0.00001; gnomAD exomes 0.00001 and 0.00004; ExAC 0.00004; TOPMed 0.00002.
gnomAD v4.1: 14 of 1,603,052 alleles (0.00087%); highest among the groups gnomAD compares: Admixed American, 0.012%; no homozygotes.

Submissions (3):

Labcorp Genetics (formerly Invitae), Labcorp
Classification: Pathogenic for Autosomal recessive limb-girdle muscular dystrophy type 2T; Muscular dystrophy-dystroglycanopathy (congenital with brain and eye anomalies), type A14; Muscular dystrophy-dystroglycanopathy (congenital with impaired intellectual development), type B, 14. Last evaluated: 2025-11-10. Review status: criteria provided, single submitter. Criteria: Invitae Variant Classification Sherloc (09022015). Collection method: clinical testing. Allele origin: germline.
Comment: This sequence change replaces arginine, which is basic and polar, with histidine, which is basic and polar, at codon 357 of the GMPPB protein (p.Arg357His). This variant is present in population databases (rs771861177, gnomAD 0.02%). This missense change has been observed in individuals with clinical features of congenital myasthenic syndrome (PMID: 28433477, 33756069). It has also been observed to segregate with disease in related individuals. This variant is also known as c.1151G>A (p.Arg384His). ClinVar contains an entry for this variant (Variation ID: 581597). Invitae Evidence Modeling of protein sequence and biophysical properties (such as structural, functional, and spatial information, amino acid conservation, physicochemical variation, residue mobility, and thermodynamic stability) indicates that this missense variant is expected to disrupt GMPPB protein function with a positive predictive value of 95%. Experimental studies have shown that this missense change affects GMPPB function (PMID: 28433477). For these reasons, this variant has been classified as Pathogenic.

Blueprint Genetics
Classification: Likely pathogenic for GMPPB-related disorders. Last evaluated: 2024-04-17. Review status: criteria provided, single submitter. Criteria: ACMG Guidelines, 2015. Collection method: clinical testing. Allele origin: germline. Affected: yes. Observed: 2 variant alleles.

GeneDx
Classification: Uncertain significance. Last evaluated: 2024-02-13. Review status: criteria provided, single submitter. Criteria: GeneDx Variant Classification Process June 2021. Collection method: clinical testing. Allele origin: germline. Affected: yes.
Comment: In silico analysis supports that this missense variant does not alter protein structure/function; This variant is associated with the following publications: (PMID: 28433477, 36830724, 33756069, 35670010, 30684953, 32115343)

Literature cited by the submitters: PubMed 28433477 (cited by Labcorp Genetics (formerly Invitae), Labcorp); PubMed 33756069 (cited by Labcorp Genetics (formerly Invitae), Labcorp).

NM_021971.4(GMPPB):c.1070G>A (p.Arg357His)

Gene: GMPPB (GDP-mannose pyrophosphorylase B; minus strand). Cytogenetic location: 3p21.31.
Variant type: single nucleotide variant.
Coding change: c.1070G>A on transcript NM_021971.4 (MANE Select); coding-DNA position 1070, G replaced by A.
Protein change: p.Arg357His; replaces arginine 357 with histidine.
Molecular consequence: missense variant.
Genome position (GRCh38, 1-based): chr3:49,721,765, C>T on the plus strand (G>A on the coding strand, the complement: GMPPB is on the minus strand). VCF-style: chr3-49721765-C-T. GRCh37 (hg19) VCF-style: chr3-49759198-C-T.
Other names: c.1151G>A, p.Arg384His (NM_013334.4); c.1151G>A (NM_013334.3); short protein forms R384H, R357H.
Identifiers: ClinVar variation 581597 (VCV000581597.8), dbSNP rs771861177, ClinGen allele CA2405355.
Genomic context (GRCh38, chr3:49,721,765, plus strand): 5'-CCTTGCTGATGGGAAAACCGGGGCTCGGCCAGCCCCACTGCATCCCCTCACATGATGATA[C>T]GAGGCTCTGGCACTGACTCGCCAATAGACTTGTGGGGCAGCACGCTGGCTCCGTTGAGGT-3'
Protein context (NP_068806.2, residues 347-360): KSIGESVPEP[Arg357His]IIM